The following is an entry in ClinVar:

NM_000414.4(HSD17B4):c.740-2A>T

Gene: HSD17B4 (hydroxysteroid 17-beta dehydrogenase 4; plus strand). Cytogenetic location: 5q23.1.
Variant type: single nucleotide variant.
Coding change: c.740-2A>T on transcript NM_000414.4 (MANE Select); the canonical splice acceptor site of the intron before coding-DNA position 740, A replaced by T.
Molecular consequence: splice acceptor variant. On other transcripts: non-coding transcript variant (1).
Genome position (GRCh38, 1-based): chr5:119,493,816, A>T. VCF-style: chr5-119493816-A-T. GRCh37 (hg19) VCF-style: chr5-118829511-A-T.
Other names: c.329-2A>T (NM_001374503.1, NM_001374502.1, NM_001374501.1); c.815-2A>T (NM_001199291.3); c.413-2A>T (NM_001374499.1); c.299-2A>T (NM_001374500.1); c.320-2A>T (NM_001292028.2); c.668-2A>T (NM_001292027.2); c.740-2A>T (NM_001374498.1); c.731-2A>T (NM_001374497.1); and 1 more.
Identifiers: ClinVar variation 3382390 (VCV003382390.2).

ClinVar aggregate classification (germline): Uncertain significance (1 of 4 stars; one submission).

Conditions:
Bifunctional peroxisomal enzyme deficiency (DBIF). Also called: PBFE DEFICIENCY; D-bifunctional protein deficiency; DBP DEFICIENCY. Identifiers: Orphanet 300, MedGen C0342870, MONDO:0009855, OMIM 261515. Disease mechanism: loss of function.
Perrault syndrome 1 (PRLTS1). Also called: OVARIAN DYSGENESIS WITH SENSORINEURAL DEAFNESS; GONADAL DYSGENESIS, XX TYPE, WITH DEAFNESS. Identifiers: Orphanet 2855, Orphanet 642945, MedGen C4551721, MONDO:0009300, OMIM 233400.

Submission:

Juno Genomics, Hangzhou Juno Genomics, Inc
Classification: Uncertain significance for Bifunctional peroxisomal enzyme deficiency; Perrault syndrome 1. Review status: criteria provided, single submitter. Criteria: ACMG Guidelines, 2015. Collection method: clinical testing. Allele origin: germline. Affected: yes.
Comment: Absent from controls (or at extremely low frequency if recessive) in Genome Aggregation Database, Exome Sequencing Project, 1000 Genomes Project, or Exome Aggregation Consortium.;Null variant in a gene where loss of function (LOF) is a known mechanism of disease.